The following is an entry in ClinVar:

ClinVar aggregate classification (germline): Uncertain significance. Review status: criteria provided, multiple submitters, no conflicts (2 of 4 stars). 3 submissions from 3 submitters: Uncertain significance (3). Last evaluated 2026-06-10.

Conditions:
Cardiovascular phenotype. Identifiers: MedGen CN230736.
Hereditary cancer-predisposing syndrome. Also called: Hereditary neoplastic syndrome; Hereditary Cancer Syndrome; Tumor predisposition; Neoplastic Syndromes, Hereditary. Identifiers: Orphanet 140162, MedGen C0027672, MeSH D009386, MONDO:0015356.

Allele frequency attached by ClinVar (database versions not stated): gnomAD exomes below 0.00001.
gnomAD v4.1: 1 of 1,611,084 alleles (0.000062%); highest among the groups gnomAD compares: Non-Finnish European, 0.000085%; no homozygotes.

Submissions (3):

Ambry Genetics
Classification: Uncertain significance for Cardiovascular phenotype; Hereditary cancer-predisposing syndrome. Last evaluated: 2026-06-10. Review status: criteria provided, single submitter. Criteria: Ambry Variant Classification Scheme 2023. Collection method: clinical testing. Allele origin: germline.
Comment: The p.G1051R variant (also known as c.3151G>A), located in coding exon 24 of the NF1 gene, results from a G to A substitution at nucleotide position 3151. The glycine at codon 1051 is replaced by arginine, an amino acid with dissimilar properties. This amino acid position is highly conserved in available vertebrate species. In addition, the in silico prediction for this alteration is inconclusive. Based on the available evidence, the clinical significance of this variant remains unclear.

Blueprint Genetics
Classification: Uncertain significance. Last evaluated: 2024-05-02. Review status: criteria provided, single submitter. Criteria: ACMG Guidelines, 2015. Collection method: clinical testing. Allele origin: germline.

GeneDx
Classification: Uncertain significance. Last evaluated: 2022-12-30. Review status: criteria provided, single submitter. Criteria: GeneDx Variant Classification Process June 2021. Collection method: clinical testing. Allele origin: germline. Affected: yes.
Comment: Not observed at significant frequency in large population cohorts (gnomAD); In silico analysis supports that this missense variant has a deleterious effect on protein structure/function; Has not been previously published as pathogenic or benign to our knowledge; This variant is associated with the following publications: (PMID: 25486365, 2121369)

NM_001042492.3(NF1):c.3151G>A (p.Gly1051Arg)

Gene: NF1 (neurofibromin 1; plus strand). Cytogenetic location: 17q11.2.
Variant type: single nucleotide variant.
Coding change: c.3151G>A on transcript NM_001042492.3 (MANE Select); coding-DNA position 3151, G replaced by A.
Protein change: p.Gly1051Arg; replaces glycine 1051 with arginine.
Molecular consequence: missense variant.
Genome position (GRCh38, 1-based): chr17:31,230,879, G>A. VCF-style: chr17-31230879-G-A. GRCh37 (hg19) VCF-style: chr17-29557897-G-A.
Other names: c.3151G>A, p.Gly1051Arg (NM_000267.4); short protein forms G1051R.
Identifiers: ClinVar variation 1710671 (VCV001710671.4), dbSNP rs2067101855, ClinGen allele CA398988032.